The following is an entry in ClinVar:

NM_024642.5(GALNT12):c.604G>T (p.Ala202Ser)

Gene: GALNT12 (polypeptide N-acetylgalactosaminyltransferase 12; plus strand). Cytogenetic location: 9q22.33.
Variant type: single nucleotide variant.
Coding change: c.604G>T on transcript NM_024642.5 (MANE Select); coding-DNA position 604, G replaced by T.
Protein change: p.Ala202Ser; replaces alanine 202 with serine.
Molecular consequence: missense variant.
Genome position (GRCh38, 1-based): chr9:98,826,814, G>T. VCF-style: chr9-98826814-G-T. GRCh37 (hg19) VCF-style: chr9-101589096-G-T.
Other names: short protein forms A202S.
Identifiers: ClinVar variation 2566280 (VCV002566280.2), dbSNP rs762155395, ClinGen allele CA374217477.

ClinVar aggregate classification (germline): Uncertain significance (1 of 4 stars; one submission).

gnomAD v4.1: 1 of 1,611,810 alleles (0.000062%); highest among the groups gnomAD compares: Non-Finnish European, 0.000085%; no homozygotes.

Submission:

Ambry Genetics
Classification: Uncertain significance. Last evaluated: 2023-06-08. Review status: criteria provided, single submitter. Criteria: Ambry Variant Classification Scheme 2023. Collection method: clinical testing. Allele origin: germline.
Comment: The p.A202S variant (also known as c.604G>T), located in coding exon 3 of the GALNT12 gene, results from a G to T substitution at nucleotide position 604. The alanine at codon 202 is replaced by serine, an amino acid with similar properties. This amino acid position is conserved. In addition, the in silico prediction for this alteration is inconclusive. Since supporting evidence is limited at this time, the clinical significance of this alteration remains unclear.